The following is an entry in ClinVar:

NM_000313.4(PROS1):c.1156-1G>A

Gene: PROS1 (protein S; minus strand). Cytogenetic location: 3q11.1.
Variant type: single nucleotide variant.
Coding change: c.1156-1G>A on transcript NM_000313.4 (MANE Select); the canonical splice acceptor site of the intron before coding-DNA position 1156, G replaced by A.
Molecular consequence: splice acceptor variant.
Genome position (GRCh38, 1-based): chr3:93,886,504, C>T on the plus strand (G>A on the coding strand, the complement: PROS1 is on the minus strand). VCF-style: chr3-93886504-C-T. GRCh37 (hg19) VCF-style: chr3-93605348-C-T.
Other names: c.1252-1G>A (NM_001314077.2).
Identifiers: ClinVar variation 429810 (VCV000429810.2), dbSNP rs1131691605, ClinGen allele CA353670484.
Genomic context (GRCh38, chr3:93,886,504, plus strand): 5'-CATCACAGCTTCTTTAGCTATTTTAATGCTAATACTATGTTCTAATTCTTCCACAGACAC[C>T]TACAATTAAAAAGAAAAATTACCAAATAACCAAGTATTACTACATGTCATTTGAAATACT-3'

ClinVar aggregate classification (germline): Pathogenic (1 of 4 stars; one submission).

Submission:

GeneDx
Classification: Pathogenic. Last evaluated: 2015-09-15. Review status: criteria provided, single submitter. Criteria: GeneDx Variant Classification (06012015). Collection method: clinical testing. Allele origin: germline. Affected: yes.
Comment: The c.1156-1G>A pathogenic variant in the PROS1 gene has not been reported previously as a pathogenic variant nor as a benign variant, to our knowledge. However, a different splicing variant at this position (c.1156-1G>T) has been reported in the Human Gene Mutation Database in association with protein S deficiency (Stenson et al., 2014), supporting the functional importance of this position within the protein. This splice site variant destroys the canonical splice acceptor site in intron 10. It is predicted to cause abnormal gene splicing, either leading to an abnormal message that is subject to nonsense-mediated mRNA decay, or to an abnormal protein product if the message is used for protein translation. The c.1156-1G>A variant was not observed in approximately 6,500 individuals of European and African American ancestry in the NHLBI Exome Sequencing Project, indicating it is not a common benign variant in these populations. We interpret c.1156-1G>A as a pathogenic variant.